The following is an entry in ClinVar:

NM_002235.5(KCNA6):c.781G>C (p.Asp261His)

Genes: KCNA6 (potassium voltage-gated channel subfamily A member 6; plus strand), KCNA6-AS1 (KCNA6 antisense RNA 1; minus strand). Cytogenetic location: 12p13.32.
Variant type: single nucleotide variant.
Coding change: c.781G>C on transcript NM_002235.5 (MANE Select); coding-DNA position 781, G replaced by C.
Protein change: p.Asp261His; replaces aspartic acid 261 with histidine.
Molecular consequence: missense variant. On other transcripts: non-coding transcript variant (3).
Genome position (GRCh38, 1-based): chr12:4,810,822, G>C. VCF-style: chr12-4810822-G-C. GRCh37 (hg19) VCF-style: chr12-4919988-G-C.
Other names: c.781G>C, p.Asp261His (NM_001395212.1, NM_001395213.1); short protein forms D261H.
Identifiers: ClinVar variation 2428979 (VCV002428979.3), dbSNP rs2497225213, ClinGen allele CA383437590.

ClinVar aggregate classification (germline): Uncertain significance (1 of 4 stars; one submission).

Submission:

GeneDx
Classification: Uncertain significance. Last evaluated: 2022-01-17. Review status: criteria provided, single submitter. Criteria: GeneDx Variant Classification Process June 2021. Collection method: clinical testing. Allele origin: germline. Affected: yes.
Comment: Not observed at significant frequency in large population cohorts (gnomAD); In silico analysis supports that this missense variant has a deleterious effect on protein structure/function; Has not been previously published as pathogenic or benign to our knowledge; Variants in candidate genes are classified as variants of uncertain significance in accordance with ACMG guidelines (Richards et al., 2015)